The following is an entry in ClinVar:

ClinVar aggregate classification (germline): Uncertain significance. Review status: criteria provided, multiple submitters, no conflicts (2 of 4 stars). 3 submissions from 3 submitters: Uncertain significance (3). Last evaluated 2025-08-20.

Conditions:
Early-infantile DEE. Also called: Early infantile epileptic encephalopathy; Ohtahara syndrome; Early infantile epileptic encephalopathy with suppression bursts. Identifiers: Orphanet 1934, MedGen C0393706, MONDO:0800491.
Inborn genetic diseases. Identifiers: MedGen C0950123, MeSH D030342.

Allele frequency attached by ClinVar (database versions not stated): gnomAD exomes below 0.00001; TOPMed 0.00001.
gnomAD v4.1: 1 of 1,613,714 alleles (0.000062%); highest among the groups gnomAD compares: Admixed American, 0.0017%; no homozygotes.

Submissions (3):

Ambry Genetics
Classification: Uncertain significance for Inborn genetic diseases. Last evaluated: 2025-08-20. Review status: criteria provided, single submitter. Criteria: Ambry Variant Classification Scheme 2023. Collection method: clinical testing. Allele origin: germline.

Labcorp Genetics (formerly Invitae), Labcorp
Classification: Uncertain significance for Early-infantile DEE. Last evaluated: 2024-11-05. Review status: criteria provided, single submitter. Criteria: Invitae Variant Classification Sherloc (09022015). Collection method: clinical testing. Allele origin: germline.
Comment: This sequence change replaces asparagine, which is neutral and polar, with isoleucine, which is neutral and non-polar, at codon 206 of the SPTAN1 protein (p.Asn206Ile). This variant is present in population databases (rs752726486, gnomAD 0.003%). This missense change has been observed in individual(s) with SPTAN1-related conditions (internal data). ClinVar contains an entry for this variant (Variation ID: 1450763). Invitae Evidence Modeling of protein sequence and biophysical properties (such as structural, functional, and spatial information, amino acid conservation, physicochemical variation, residue mobility, and thermodynamic stability) has been performed for this missense variant. However, the output from this modeling did not meet the statistical confidence thresholds required to predict the impact of this variant on SPTAN1 protein function. In summary, the available evidence is currently insufficient to determine the role of this variant in disease. Therefore, it has been classified as a Variant of Uncertain Significance.

Mayo Clinic Laboratories, Mayo Clinic
Classification: Uncertain significance. Last evaluated: 2024-10-22. Review status: criteria provided, single submitter. Criteria: ACMG Guidelines, 2015. Collection method: clinical testing. Allele origin: germline. Observed: 1 variant allele.
Comment: PM2_supporting

NM_001130438.3(SPTAN1):c.617A>T (p.Asn206Ile)

Gene: SPTAN1 (spectrin alpha, non-erythrocytic 1; plus strand). Cytogenetic location: 9q34.11.
Variant type: single nucleotide variant.
Coding change: c.617A>T on transcript NM_001130438.3 (MANE Select); coding-DNA position 617, A replaced by T.
Protein change: p.Asn206Ile; replaces asparagine 206 with isoleucine.
Molecular consequence: missense variant.
Genome position (GRCh38, 1-based): chr9:128,575,311, A>T. VCF-style: chr9-128575311-A-T. GRCh37 (hg19) VCF-style: chr9-131337590-A-T.
Other names: p.Asn206Ile; c.617A>T (NM_001130438.2); c.617A>T, p.Asn206Ile (NM_001195532.2, NM_001363759.2, NM_001363765.2 and 5 more transcripts); c.653A>T, p.Asn218Ile (NM_001375312.2, NM_001375318.1); short protein forms N218I, N206I.
Identifiers: ClinVar variation 1450763 (VCV001450763.9), dbSNP rs752726486, ClinGen allele CA200430497.